The following is an entry in ClinVar:

ClinVar aggregate classification (germline): Conflicting classifications of pathogenicity. Review status: criteria provided, conflicting classifications (1 of 4 stars). 3 submissions from 3 submitters: Uncertain significance (2); Likely benign (1). Last evaluated 2024-09-12.

Conditions:
Granulomatous disease, chronic, autosomal recessive, cytochrome b-positive, type 3. Also called: GRANULOMATOUS DISEASE, CHRONIC, DUE TO NCF4 DEFICIENCY; CGD, AUTOSOMAL RECESSIVE CYTOCHROME b-POSITIVE, TYPE III; GRANULOMATOUS DISEASE, CHRONIC, AUTOSOMAL RECESSIVE, 3; Granulomatous disease, chronic, autosomal recessive, cytochrome b-positive, type III. Identifiers: Orphanet 379, MedGen C3151409, MONDO:0013507, OMIM 613960.

Allele frequency attached by ClinVar (database versions not stated): gnomAD 0.00001 and 0.00003; TOPMed 0.00001; gnomAD exomes 0.00002 and 0.00004; ExAC 0.00004; 1000 Genomes Project 30x 0.00016; 1000 Genomes Project 0.00020.
gnomAD v4.1: 35 of 1,614,188 alleles (0.0022%); highest among the groups gnomAD compares: Middle Eastern, 0.049%; no homozygotes.

Submissions (3):

Blueprint Genetics
Classification: Likely benign. Last evaluated: 2024-09-12. Review status: criteria provided, single submitter. Criteria: ACMG Guidelines, 2015. Collection method: clinical testing. Allele origin: germline.

Labcorp Genetics (formerly Invitae), Labcorp
Classification: Uncertain significance for Granulomatous disease, chronic, autosomal recessive, cytochrome b-positive, type 3. Last evaluated: 2022-09-02. Review status: criteria provided, single submitter. Criteria: Invitae Variant Classification Sherloc (09022015). Collection method: clinical testing. Allele origin: germline.
Comment: This sequence change replaces valine, which is neutral and non-polar, with isoleucine, which is neutral and non-polar, at codon 20 of the NCF4 protein (p.Val20Ile). This variant is present in population databases (rs575470394, gnomAD 0.006%). This variant has not been reported in the literature in individuals affected with NCF4-related conditions. ClinVar contains an entry for this variant (Variation ID: 1027045). Algorithms developed to predict the effect of missense changes on protein structure and function output the following: SIFT: "Tolerated"; PolyPhen-2: "Benign"; Align-GVGD: "Class C0". The isoleucine amino acid residue is found in multiple mammalian species, which suggests that this missense change does not adversely affect protein function. In summary, the available evidence is currently insufficient to determine the role of this variant in disease. Therefore, it has been classified as a Variant of Uncertain Significance.

Breakthrough Genomics
Classification: Uncertain significance. Review status: criteria provided, single submitter. Criteria: ACMG Guidelines, 2015. Collection method: not provided. Allele origin: germline. Inheritance: Autosomal dominant inheritance. Affected: yes.

NM_000631.5(NCF4):c.58G>A (p.Val20Ile)

Genes: NCF4 (neutrophil cytosolic factor 4; plus strand), NCF4-AS1 (NCF4 antisense RNA 1; minus strand). Cytogenetic location: 22q12.3.
Variant type: single nucleotide variant.
Coding change: c.58G>A on transcript NM_000631.5 (MANE Select); coding-DNA position 58, G replaced by A.
Protein change: p.Val20Ile; replaces valine 20 with isoleucine.
Molecular consequence: missense variant.
Genome position (GRCh38, 1-based): chr22:36,864,070, G>A. VCF-style: chr22-36864070-G-A. GRCh37 (hg19) VCF-style: chr22-37260112-G-A.
Other names: c.58G>A, p.Val20Ile (NM_013416.4); short protein forms V20I.
Identifiers: ClinVar variation 1027045 (VCV001027045.6), dbSNP rs575470394, ClinGen allele CA10212820.